The following is an entry in ClinVar:

NM_001365999.1(SZT2):c.5434G>A (p.Glu1812Lys)

Gene: SZT2 (SZT2 subunit of KICSTOR complex; plus strand). Cytogenetic location: 1p34.2.
Variant type: single nucleotide variant.
Coding change: c.5434G>A on transcript NM_001365999.1 (MANE Select); coding-DNA position 5434, G replaced by A.
Protein change: p.Glu1812Lys; replaces glutamic acid 1812 with lysine.
Molecular consequence: missense variant.
Genome position (GRCh38, 1-based): chr1:43,432,431, G>A. VCF-style: chr1-43432431-G-A. GRCh37 (hg19) VCF-style: chr1-43898102-G-A.
Other names: c.5263G>A, p.Glu1755Lys (NM_015284.4); short protein forms E1812K, E1755K.
Identifiers: ClinVar variation 1517124 (VCV001517124.5), dbSNP rs776794599, ClinGen allele CA809570.
Genomic context (GRCh38, chr1:43,432,431, plus strand): 5'-GGGGAGCCTTCTTCAGCGGCCTGGGCTTGGCACAGTCATGAGGACAGGGCTGAAGGCATC[G>A]AAGGGGAGGTGAGTCTCACCTGGGAATGGAGGGGGGTGGTGGGTGTGTGGGGCCTATACC-3'
Protein context (NP_001352928.1, residues 1802-1822): HSHEDRAEGI[Glu1812Lys]GETLTASPQA

ClinVar aggregate classification (germline): Uncertain significance (1 of 4 stars; one submission).

Allele frequency attached by ClinVar (database versions not stated): ExAC 0.00001; gnomAD 0.00001; gnomAD exomes 0.00001 and 0.00002; TOPMed 0.00002.
gnomAD v4.1: 33 of 1,563,668 alleles (0.0021%); highest among the groups gnomAD compares: South Asian, 0.0096%; no homozygotes.

Submission:

Labcorp Genetics (formerly Invitae), Labcorp
Classification: Uncertain significance. Last evaluated: 2021-09-01. Review status: criteria provided, single submitter. Criteria: Invitae Variant Classification Sherloc (09022015). Collection method: clinical testing. Allele origin: germline.
Comment: This sequence change replaces glutamic acid with lysine at codon 1755 of the SZT2 protein (p.Glu1755Lys). The glutamic acid residue is highly conserved and there is a small physicochemical difference between glutamic acid and lysine. This variant is present in population databases (rs776794599, ExAC 0.002%). This variant has not been reported in the literature in individuals affected with SZT2-related conditions. Algorithms developed to predict the effect of missense changes on protein structure and function (SIFT, PolyPhen-2, Align-GVGD) all suggest that this variant is likely to be tolerated. In summary, the available evidence is currently insufficient to determine the role of this variant in disease. Therefore, it has been classified as a Variant of Uncertain Significance.